The following is an entry in ClinVar:

ClinVar aggregate classification (germline): Uncertain significance (1 of 4 stars; one submission).

Submission:

Ambry Genetics
Classification: Uncertain significance. Last evaluated: 2026-02-24. Review status: criteria provided, single submitter. Criteria: Ambry Variant Classification Scheme 2023. Collection method: clinical testing. Allele origin: germline.
Comment: The p.C728Y variant (also known as c.2183G>A), located in coding exon 8 of the RNF43 gene, results from a G to A substitution at nucleotide position 2183. The cysteine at codon 728 is replaced by tyrosine, an amino acid with highly dissimilar properties. This amino acid position is conserved. In addition, this alteration is predicted to be tolerated by in silico analysis. Based on the available evidence, the clinical significance of this variant remains unclear.

NM_017763.6(RNF43):c.2183G>A (p.Cys728Tyr)

Gene: RNF43 (ring finger protein 43; minus strand). Cytogenetic location: 17q22.
Variant type: single nucleotide variant.
Coding change: c.2183G>A on transcript NM_017763.6 (MANE Select); coding-DNA position 2183, G replaced by A.
Protein change: p.Cys728Tyr; replaces cysteine 728 with tyrosine.
Molecular consequence: missense variant.
Genome position (GRCh38, 1-based): chr17:58,357,593, C>T on the plus strand (G>A on the coding strand, the complement: RNF43 is on the minus strand). VCF-style: chr17-58357593-C-T. GRCh37 (hg19) VCF-style: chr17-56434954-C-T.
Other names: c.2183G>A, p.Cys728Tyr (NM_001305544.3, NM_001438820.1, NM_001438821.1 and 1 more transcripts); c.1802G>A, p.Cys601Tyr (NM_001305545.2, NM_001437987.1); short protein forms C601Y, C728Y.
Identifiers: ClinVar variation 4826145 (VCV004826145.1).